The following is an entry in ClinVar:

ClinVar aggregate classification (germline): Uncertain significance. Review status: criteria provided, multiple submitters, no conflicts (2 of 4 stars). 2 submissions from 2 submitters: Uncertain significance (2). Last evaluated 2026-01-26.

Conditions:
Inborn genetic diseases. Identifiers: MedGen C0950123, MeSH D030342.

Submissions (2):

Labcorp Genetics (formerly Invitae), Labcorp
Classification: Uncertain significance. Last evaluated: 2026-01-26. Review status: criteria provided, single submitter. Criteria: Invitae Variant Classification Sherloc (09022015). Collection method: clinical testing. Allele origin: germline.
Comment: This sequence change replaces glycine, which is neutral and non-polar, with alanine, which is neutral and non-polar, at codon 976 of the ANKRD26 protein (p.Gly976Ala). This variant is present in population databases (no rsID available, gnomAD 0.01%). This variant has not been reported in the literature in individuals affected with ANKRD26-related conditions. ClinVar contains an entry for this variant (Variation ID: 3397180). An algorithm developed to predict the effect of missense changes on protein structure and function (PolyPhen-2) suggests that this variant is likely to be disruptive. In summary, the available evidence is currently insufficient to determine the role of this variant in disease. Therefore, it has been classified as a Variant of Uncertain Significance.

Ambry Genetics
Classification: Uncertain significance for Inborn genetic diseases. Last evaluated: 2024-12-06. Review status: criteria provided, single submitter. Criteria: Ambry Variant Classification Scheme 2023. Collection method: clinical testing. Allele origin: germline.
Comment: The p.G976A variant (also known as c.2927G>C), located in coding exon 24 of the ANKRD26 gene, results from a G to C substitution at nucleotide position 2927. The glycine at codon 976 is replaced by alanine, an amino acid with similar properties. This amino acid position is conserved. In addition, this alteration is predicted to be tolerated by in silico analysis. Based on the available evidence, the clinical significance of this variant remains unclear.

NM_014915.3(ANKRD26):c.2927G>C (p.Gly976Ala)

Gene: ANKRD26 (ankyrin repeat domain 26; minus strand). Cytogenetic location: 10p12.1.
Variant type: single nucleotide variant.
Coding change: c.2927G>C on transcript NM_014915.3 (MANE Select); coding-DNA position 2927, G replaced by C.
Protein change: p.Gly976Ala; replaces glycine 976 with alanine.
Molecular consequence: missense variant.
Genome position (GRCh38, 1-based): chr10:27,035,523, C>G on the plus strand (G>C on the coding strand, the complement: ANKRD26 is on the minus strand). VCF-style: chr10-27035523-C-G. GRCh37 (hg19) VCF-style: chr10-27324452-C-G.
Other names: c.2924G>C, p.Gly975Ala (NM_001256053.2); short protein forms G976A, G975A.
Identifiers: ClinVar variation 3397180 (VCV003397180.3).
Genomic context (GRCh38, chr10:27,035,523, plus strand): 5'-TTTTCATTCTCCAGTTTAGAATTTAGCATTGCATTCTCAGCTGTCAGAACACTAAGCCGT[C>G]CATTATACTGGGATATTGTTTGTGTTAATGTTTCCTCATTCTGTTTTATAGTCTTCTGAA-3'
Protein context (NP_055730.2, residues 966-986): TLTQTISQYN[Gly976Ala]RLSVLTAENA